The following is an entry in ClinVar:

NM_032578.4(MYPN):c.1863A>G (p.Arg621=)

Gene: MYPN (myopalladin; plus strand). Cytogenetic location: 10q21.3.
Variant type: single nucleotide variant.
Coding change: c.1863A>G on transcript NM_032578.4 (MANE Select); coding-DNA position 1863, A replaced by G.
Protein change: p.Arg621=; no amino-acid change (arginine 621 retained).
Molecular consequence: synonymous variant. On other transcripts: non-coding transcript variant (2).
Genome position (GRCh38, 1-based): chr10:68,166,556, A>G. VCF-style: chr10-68166556-A-G. GRCh37 (hg19) VCF-style: chr10-69926313-A-G.
Other names: c.1863A>G, p.Arg621= (NM_001256267.2); c.981A>G, p.Arg327= (NM_001256268.2).
Identifiers: ClinVar variation 390932 (VCV000390932.14), dbSNP rs373826163, ClinGen allele CA5522670.
Genomic context (GRCh38, chr10:68,166,556, plus strand): 5'-CCTGCCTGAAGATGACAAAGGAAGTGAAGCATCCTCCGAGGCTGGTGTGGTGACCACCAG[A>G]CAGACCAGGCCCGATTCTTTCCAGGAGAGGTTCAACGGACAGGCAACAAAAACCCCAGAG-3'
Protein context (NP_115967.2, residues 611-631): ASSEAGVVTT[Arg621=]QTRPDSFQER

ClinVar aggregate classification (germline): Likely benign. Review status: criteria provided, multiple submitters, no conflicts (2 of 4 stars). 4 submissions from 4 submitters: Likely benign (4). Last evaluated 2025-10-03.

Conditions:
MYPN-related disorder. Also called: MYPN-related condition.
Cardiovascular phenotype. Identifiers: MedGen CN230736.
Dilated cardiomyopathy 1KK (CMD1KK). Identifiers: Orphanet 154, Orphanet 75249, MedGen C3714995, MONDO:0014100, OMIM 615248.

Allele frequency attached by ClinVar (database versions not stated): gnomAD 0.00001; gnomAD exomes 0.00001; ExAC 0.00002; TOPMed 0.00002; ESP Exome Variant Server 0.00008.
gnomAD v4.1: 16 of 1,614,058 alleles (0.00099%); highest among the groups gnomAD compares: South Asian, 0.0033%; no homozygotes.

Submissions (4):

Labcorp Genetics (formerly Invitae), Labcorp
Classification: Likely benign for Dilated cardiomyopathy 1KK. Last evaluated: 2025-10-03. Review status: criteria provided, single submitter. Criteria: Invitae Variant Classification Sherloc (09022015). Collection method: clinical testing. Allele origin: germline.

PreventionGenetics, part of Exact Sciences
Classification: Likely benign for MYPN-related condition. Last evaluated: 2025-08-08. Review status: criteria provided, single submitter. Criteria: ACMG Guidelines, 2015. Collection method: clinical testing. Allele origin: germline.
Comment: This variant is classified as likely benign based on ACMG/AMP sequence variant interpretation guidelines (Richards et al. 2015 PMID: 25741868, with internal and published modifications).

GeneDx
Classification: Likely benign. Last evaluated: 2016-11-17. Review status: criteria provided, single submitter. Criteria: GeneDx Variant Classification (06012015). Collection method: clinical testing. Allele origin: germline. Affected: yes.
Comment: This variant is considered likely benign or benign based on one or more of the following criteria: it is a conservative change, it occurs at a poorly conserved position in the protein, it is predicted to be benign by multiple in silico algorithms, and/or has population frequency not consistent with disease.

Ambry Genetics
Classification: Likely benign for Cardiovascular phenotype. Last evaluated: 2016-08-10. Review status: criteria provided, single submitter. Criteria: Ambry Variant Classification Scheme 2023. Collection method: clinical testing. Allele origin: germline.